The following is an entry in ClinVar:

NM_001734.5(C1S):c.8G>T (p.Cys3Phe)

Gene: C1S (complement C1s; plus strand). Cytogenetic location: 12p13.31.
Variant type: single nucleotide variant.
Coding change: c.8G>T on transcript NM_001734.5 (MANE Select); coding-DNA position 8, G replaced by T.
Protein change: p.Cys3Phe; replaces cysteine 3 with phenylalanine.
Molecular consequence: missense variant. On other transcripts: intron variant (1).
Genome position (GRCh38, 1-based): chr12:7,062,477, G>T. VCF-style: chr12-7062477-G-T. GRCh37 (hg19) VCF-style: chr12-7169781-G-T.
Other names: c.8G>T, p.Cys3Phe (NM_201442.4); c.-288-413G>T (NM_001346850.2); short protein forms C3F.
Identifiers: ClinVar variation 1718587 (VCV001718587.5), dbSNP rs2539592907, ClinGen allele CA383687174.

ClinVar aggregate classification (germline): Uncertain significance (1 of 4 stars; one submission).

gnomAD v4.1: 2 of 1,612,296 alleles (0.00012%); highest among the groups gnomAD compares: Non-Finnish European, 0.00017%; no homozygotes.

Submission:

Labcorp Genetics (formerly Invitae), Labcorp
Classification: Uncertain significance. Last evaluated: 2025-04-11. Review status: criteria provided, single submitter. Criteria: Invitae Variant Classification Sherloc (09022015). Collection method: clinical testing. Allele origin: germline.
Comment: This sequence change replaces cysteine, which is neutral and slightly polar, with phenylalanine, which is neutral and non-polar, at codon 3 of the C1S protein (p.Cys3Phe). This variant is not present in population databases (gnomAD no frequency). This variant has not been reported in the literature in individuals affected with C1S-related conditions. ClinVar contains an entry for this variant (Variation ID: 1718587). An algorithm developed to predict the effect of missense changes on protein structure and function (PolyPhen-2) suggests that this variant is likely to be tolerated. In summary, the available evidence is currently insufficient to determine the role of this variant in disease. Therefore, it has been classified as a Variant of Uncertain Significance.